The following is an entry in ClinVar:

NM_000199.5(SGSH):c.1052del (p.Ala351fs)

Gene: SGSH (N-sulfoglucosamine sulfohydrolase; minus strand). Cytogenetic location: 17q25.3.
Variant type: Deletion.
Coding change: c.1052del on transcript NM_000199.5 (MANE Select); coding-DNA position 1052, one base deleted (C; older notation c.1052delC).
Protein change: p.Ala351fs; shifts the reading frame from alanine 351.
Molecular consequence: frameshift variant. On other transcripts: 3 prime UTR variant (2), non-coding transcript variant (1).
Genome position (GRCh38, 1-based): chr17:80,210,909, G deleted on the plus strand (C on the coding strand, the reverse complement: SGSH is on the minus strand). VCF-style (leftmost placement, unchanged base first): chr17-80210908-CG-C. GRCh37 (hg19) VCF-style: chr17-78184707-CG-C.
Other names: c.*139del (NM_001352921.3); c.*102del (NM_001352922.2); short protein forms A351fs.
Identifiers: ClinVar variation 5003828 (VCV005003828.1).

ClinVar aggregate classification (germline): Pathogenic (1 of 4 stars; one submission).

Conditions:
Mucopolysaccharidosis, MPS-III-A (MPS3A). Also called: MUCOPOLYSACCHARIDOSIS, TYPE IIIA, ATTENUATED; SANFILIPPO SYNDROME A; SULFAMIDASE DEFICIENCY; mucopolysaccharidosis type 3A; Mucopolysaccharidosis type IIIA (Sanfilippo A); MPS IIIA (Sanfilippo Syndrome Type A). Identifiers: Orphanet 581, Orphanet 79269, MedGen C0086647, MONDO:0009655, OMIM 252900.

Submission:

Myriad Genetics, Inc.
Classification: Pathogenic for Mucopolysaccharidosis, MPS-III-A. Last evaluated: 2026-05-28. Review status: criteria provided, single submitter. Criteria: Myriad Autosomal Dominant, Autosomal Recessive and X-Linked Classification Criteria (2023). Collection method: clinical testing. Allele origin: unknown.
Comment: NM_000199.3(SGSH):c.1052delC(A351Gfs*62) is a frameshift variant classified as pathogenic in the context of mucopolysaccharidosis type IIIA. A351Gfs*62 has not been observed in cases with relevant disease. Relevant functional assessments of this variant are not available in the literature. A351Gfs*62 has not been observed in referenced population frequency databases. In summary, NM_000199.3(SGSH):c.1052delC(A351Gfs*62) is a frameshift variant in a gene where loss of function is a known mechanism of disease and is predicted to disrupt protein function. Please note: this variant was assessed in the context of healthy population screening.